The following is an entry in ClinVar:

ClinVar aggregate classification (germline): Uncertain significance (1 of 4 stars; one submission).

Conditions:
Ataxia-telangiectasia syndrome (AT). Also called: LOUIS-BAR SYNDROME; Ataxia telangiectasia (A-T); Ataxia-telangiectasia, complementation group D; Cerebello-oculocutaneous telangiectasia; Immunodeficiency with ataxia telangiectasia; Ataxia-telangiectasia. Identifiers: Orphanet 100, MedGen C0004135, MONDO:0008840, OMIM 208900.

Submission:

Labcorp Genetics (formerly Invitae), Labcorp
Classification: Uncertain significance for Ataxia-telangiectasia syndrome. Last evaluated: 2019-04-06. Review status: criteria provided, single submitter. Criteria: Invitae Variant Classification Sherloc (09022015). Collection method: clinical testing. Allele origin: germline.
Comment: This sequence change replaces histidine with glutamine at codon 192 of the ATM protein (p.His192Gln). The histidine residue is moderately conserved and there is a small physicochemical difference between histidine and glutamine. This variant is not present in population databases (ExAC no frequency). This variant has not been reported in the literature in individuals with ATM-related conditions. Algorithms developed to predict the effect of missense changes on protein structure and function output the following: SIFT: "Tolerated"; PolyPhen-2: "Benign"; Align-GVGD: "Class C0". The glutamine amino acid residue is found in multiple mammalian species, suggesting that this missense change does not adversely affect protein function. These predictions have not been confirmed by published functional studies and their clinical significance is uncertain. In summary, the available evidence is currently insufficient to determine the role of this variant in disease. Therefore, it has been classified as a Variant of Uncertain Significance.

NM_000051.4(ATM):c.576T>G (p.His192Gln)

Gene: ATM (ATM serine/threonine kinase; plus strand). Cytogenetic location: 11q22.3.
Variant type: single nucleotide variant.
Coding change: c.576T>G on transcript NM_000051.4 (MANE Select); coding-DNA position 576, T replaced by G.
Protein change: p.His192Gln; replaces histidine 192 with glutamine.
Molecular consequence: missense variant.
Genome position (GRCh38, 1-based): chr11:108,244,032, T>G. VCF-style: chr11-108244032-T-G. GRCh37 (hg19) VCF-style: chr11-108114759-T-G.
Other names: c.576T>G, p.His192Gln (NM_001351834.2); short protein forms H192Q.
Identifiers: ClinVar variation 862148 (VCV000862148.9), dbSNP rs2079702502, ClinGen allele CA382527881.